The following is an entry in ClinVar:

ClinVar aggregate classification (germline): Uncertain significance. Review status: criteria provided, multiple submitters, no conflicts (2 of 4 stars). 2 submissions from 2 submitters: Uncertain significance (2). Last evaluated 2023-10-13.

Conditions:
Gastrointestinal stromal tumor. Also called: Gastrointestinal stroma tumor; Gastrointestinal stromal tumor, somatic. Identifiers: Orphanet 44890, MedGen C0238198, MeSH D046152, MONDO:0011719, OMIM 606764, HP:0100723.
Hereditary cancer-predisposing syndrome. Also called: Hereditary Cancer Syndrome; Hereditary neoplastic syndrome; Neoplastic Syndromes, Hereditary; Tumor predisposition. Identifiers: Orphanet 140162, MedGen C0027672, MeSH D009386, MONDO:0015356.

Allele frequency attached by ClinVar (database versions not stated): ExAC 0.00001.

Submissions (2):

Ambry Genetics
Classification: Uncertain significance for Hereditary cancer-predisposing syndrome. Last evaluated: 2023-10-13. Review status: criteria provided, single submitter. Criteria: Ambry Variant Classification Scheme 2023. Collection method: clinical testing. Allele origin: germline.
Comment: The p.N486S variant (also known as c.1457A>G), located in coding exon 9 of the KIT gene, results from an A to G substitution at nucleotide position 1457. The asparagine at codon 486 is replaced by serine, an amino acid with highly similar properties. This amino acid position is well conserved in available vertebrate species. In addition, this alteration is predicted to be tolerated by in silico analysis. Since supporting evidence is limited at this time, the clinical significance of this alteration remains unclear.

Labcorp Genetics (formerly Invitae), Labcorp
Classification: Uncertain significance for Gastrointestinal stromal tumor. Last evaluated: 2022-10-03. Review status: criteria provided, single submitter. Criteria: Invitae Variant Classification Sherloc (09022015). Collection method: clinical testing. Allele origin: germline.
Comment: In summary, the available evidence is currently insufficient to determine the role of this variant in disease. Therefore, it has been classified as a Variant of Uncertain Significance. Algorithms developed to predict the effect of missense changes on protein structure and function (SIFT, PolyPhen-2, Align-GVGD) all suggest that this variant is likely to be tolerated. This variant has not been reported in the literature in individuals affected with KIT-related conditions. The frequency data for this variant in the population databases is considered unreliable, as metrics indicate poor data quality at this position in the gnomAD database. This sequence change replaces asparagine, which is neutral and polar, with serine, which is neutral and polar, at codon 486 of the KIT protein (p.Asn486Ser).

NM_000222.3(KIT):c.1457A>G (p.Asn486Ser)

Gene: KIT (KIT proto-oncogene, receptor tyrosine kinase; plus strand). Cytogenetic location: 4q12.
Variant type: single nucleotide variant.
Coding change: c.1457A>G on transcript NM_000222.3 (MANE Select); coding-DNA position 1457, A replaced by G.
Protein change: p.Asn486Ser; replaces asparagine 486 with serine.
Molecular consequence: missense variant.
Genome position (GRCh38, 1-based): chr4:54,725,967, A>G. VCF-style: chr4-54725967-A-G. GRCh37 (hg19) VCF-style: chr4-55592133-A-G.
Other names: c.1457A>G, p.Asn486Ser (NM_001093772.2, NM_001385285.1, NM_001385286.1); c.1460A>G, p.Asn487Ser (NM_001385284.1, NM_001385288.1, NM_001385290.1 and 1 more transcripts); short protein forms N486S, N487S.
Identifiers: ClinVar variation 2141198 (VCV002141198.5), dbSNP rs779134230, ClinGen allele CA2923490.
Genomic context (GRCh38, chr4:54,725,967, plus strand): 5'-GGCCACCGTTTGGAAAGCTAGTGGTTCAGAGTTCTATAGATTCTAGTGCATTCAAGCACA[A>G]TGGCACGGTTGAATGTAAGGCTTACAACGATGTGGGCAAGACTTCTGCCTATTTTAACTT-3'
Protein context (NP_000213.1, residues 476-496): SSIDSSAFKH[Asn486Ser]GTVECKAYND